The following is an entry in ClinVar:

NM_003001.5(SDHC):c.372C>T (p.Leu124=)

Gene: SDHC (succinate dehydrogenase complex subunit C; plus strand). Cytogenetic location: 1q23.3.
Variant type: single nucleotide variant.
Coding change: c.372C>T on transcript NM_003001.5 (MANE Select); coding-DNA position 372, C replaced by T.
Protein change: p.Leu124=; no amino-acid change (leucine 124 retained).
Molecular consequence: synonymous variant. On other transcripts: non-coding transcript variant (1), intron variant (3).
Genome position (GRCh38, 1-based): chr1:161,356,807, C>T. VCF-style: chr1-161356807-C-T. GRCh37 (hg19) VCF-style: chr1-161326597-C-T.
Other names: c.270C>T, p.Leu90= (NM_001035512.3); c.213C>T, p.Leu71= (NM_001035513.3); c.492C>T, p.Leu164= (NM_001407115.1); c.315C>T, p.Leu105= (NM_001407116.1); c.309C>T, p.Leu103= (NM_001407117.1); c.264C>T, p.Leu88= (NM_001407118.1); c.261C>T, p.Leu87= (NM_001407119.1, NM_001407120.1); c.242-5522C>T (NM_001035511.3); and 2 more.
Identifiers: ClinVar variation 465972 (VCV000465972.17), dbSNP rs766007157, ClinGen allele CA047069.

ClinVar aggregate classification (germline): Benign/Likely benign. Review status: criteria provided, multiple submitters, no conflicts (2 of 4 stars). 3 submissions from 3 submitters: Benign (1); Likely benign (2). Last evaluated 2025-03-17.

Conditions:
Pheochromocytoma/paraganglioma syndrome 3. Also called: SDHC-Related Hereditary Paraganglioma-Pheochromocytoma Syndrome (Paragangliomas 3); GLOMUS TUMORS, FAMILIAL, 3; SDHC-Related Hereditary Paraganglioma-Pheochromocytoma Syndrome; Paragangliomas 3. Identifiers: Orphanet 29072, MedGen C1854336, MONDO:0011544, OMIM 605373.
Gastrointestinal stromal tumor. Also called: Gastrointestinal stroma tumor; Gastrointestinal stromal tumor, somatic. Identifiers: Orphanet 44890, MedGen C0238198, MeSH D046152, MONDO:0011719, OMIM 606764, HP:0100723.
Hereditary cancer-predisposing syndrome. Also called: Tumor predisposition; Hereditary neoplastic syndrome; Neoplastic Syndromes, Hereditary; Hereditary Cancer Syndrome. Identifiers: Orphanet 140162, MedGen C0027672, MeSH D009386, MONDO:0015356.

Allele frequency attached by ClinVar (database versions not stated): gnomAD exomes below 0.00001 and 0.00001; ExAC 0.00001; gnomAD 0.00001.
gnomAD v4.1: 5 of 1,614,056 alleles (0.00031%); highest among the groups gnomAD compares: Admixed American, 0.005%; no homozygotes.

Submissions (3):

Myriad Genetics, Inc.
Classification: Benign for Pheochromocytoma/paraganglioma syndrome 3. Last evaluated: 2025-03-17. Review status: criteria provided, single submitter. Criteria: Myriad Autosomal Dominant, Autosomal Recessive and X-Linked Classification Criteria (2023). Collection method: clinical testing. Allele origin: unknown.
Comment: This variant is considered benign. This variant is a silent/synonymous amino acid change and it is not expected to impact splicing.

Labcorp Genetics (formerly Invitae), Labcorp
Classification: Likely benign for Pheochromocytoma/paraganglioma syndrome 3; Gastrointestinal stromal tumor. Last evaluated: 2023-12-07. Review status: criteria provided, single submitter. Criteria: Invitae Variant Classification Sherloc (09022015). Collection method: clinical testing. Allele origin: germline.

Ambry Genetics
Classification: Likely benign for Hereditary cancer-predisposing syndrome. Last evaluated: 2019-10-28. Review status: criteria provided, single submitter. Criteria: Ambry Variant Classification Scheme 2023. Collection method: clinical testing. Allele origin: germline.